The following is an entry in ClinVar:

ClinVar aggregate classification (germline): Conflicting classifications of pathogenicity. Review status: criteria provided, conflicting classifications (1 of 4 stars). 3 submissions from 3 submitters: Uncertain significance (1); Likely benign (1). 1 of the submissions does not count toward it. Last evaluated 2023-07-13.

Conditions:
PKD2-related disorder. Also called: PKD2-related condition.
Autosomal dominant polycystic kidney disease. Identifiers: Orphanet 730, MedGen C0085413, MONDO:0004691.

Allele frequency attached by ClinVar (database versions not stated): TOPMed 0.00005.
gnomAD v4.1: 20 of 1,614,018 alleles (0.0012%); highest among the groups gnomAD compares: East Asian, 0.038%; no homozygotes.

Submissions (3):

Labcorp Genetics (formerly Invitae), Labcorp
Classification: Likely benign for Autosomal dominant polycystic kidney disease. Last evaluated: 2023-07-13. Review status: criteria provided, single submitter. Criteria: Invitae Variant Classification Sherloc (09022015). Collection method: clinical testing. Allele origin: germline.

Eurofins Ntd Llc (ga)
Classification: Uncertain significance. Last evaluated: 2015-04-22. Review status: criteria provided, single submitter. Criteria: EGL Classification Definitions 2015. Collection method: clinical testing. Allele origin: germline. Observed: 1 variant allele, 1 heterozygote.

PreventionGenetics, part of Exact Sciences
Classification: Likely benign for PKD2-related condition. Last evaluated: 2023-08-30. Review status: no assertion criteria provided. Collection method: clinical testing. Allele origin: germline. Not counted in ClinVar's aggregate classification.
Comment: This variant is classified as likely benign based on ACMG/AMP sequence variant interpretation guidelines (Richards et al. 2015 PMID: 25741868, with internal and published modifications).

NM_000297.4(PKD2):c.2846C>G (p.Ser949Cys)

Gene: PKD2 (polycystin 2, transient receptor potential cation channel; plus strand). Cytogenetic location: 4q22.1.
Variant type: single nucleotide variant.
Coding change: c.2846C>G on transcript NM_000297.4 (MANE Select); coding-DNA position 2846, C replaced by G.
Protein change: p.Ser949Cys; replaces serine 949 with cysteine.
Molecular consequence: missense variant. On other transcripts: non-coding transcript variant (1).
Genome position (GRCh38, 1-based): chr4:88,075,633, C>G. VCF-style: chr4-88075633-C-G. GRCh37 (hg19) VCF-style: chr4-88996785-C-G.
Other names: c.2846C>G (NM_000297.3); short protein forms S949C.
Identifiers: ClinVar variation 194468 (VCV000194468.16), dbSNP rs749666891, ClinGen allele CA240436.